The following is an entry in ClinVar:

ClinVar aggregate classification (germline): Uncertain significance (1 of 4 stars; one submission).

Conditions:
Familial adenomatous polyposis 1 (FAP1). Also called: FAMILIAL ADENOMATOUS POLYPOSIS 1, ATTENUATED; POLYPOSIS, ADENOMATOUS INTESTINAL. Identifiers: MedGen C2713442, MONDO:0021056, OMIM 175100. Disease mechanism: loss of function.

Submission:

Labcorp Genetics (formerly Invitae), Labcorp
Classification: Uncertain significance for Familial adenomatous polyposis 1. Last evaluated: 2025-03-15. Review status: criteria provided, single submitter. Criteria: Invitae Variant Classification Sherloc (09022015). Collection method: clinical testing. Allele origin: germline.
Comment: This sequence change replaces arginine, which is basic and polar, with threonine, which is neutral and polar, at codon 121 of the APC protein (p.Arg121Thr). This variant is not present in population databases (gnomAD no frequency). This variant has not been reported in the literature in individuals affected with APC-related conditions. ClinVar contains an entry for this variant (Variation ID: 1057772). Invitae Evidence Modeling of protein sequence and biophysical properties (such as structural, functional, and spatial information, amino acid conservation, physicochemical variation, residue mobility, and thermodynamic stability) indicates that this missense variant is not expected to disrupt APC protein function with a negative predictive value of 95%. In summary, the available evidence is currently insufficient to determine the role of this variant in disease. Therefore, it has been classified as a Variant of Uncertain Significance.

NM_000038.6(APC):c.362G>C (p.Arg121Thr)

Gene: APC (APC regulator of Wnt signaling pathway; plus strand). Cytogenetic location: 5q22.2.
Variant type: single nucleotide variant.
Coding change: c.362G>C on transcript NM_000038.6 (MANE Select); coding-DNA position 362, G replaced by C.
Protein change: p.Arg121Thr; replaces arginine 121 with threonine.
Molecular consequence: missense variant. On other transcripts: 5 prime UTR variant (1).
Genome position (GRCh38, 1-based): chr5:112,767,330, G>C. VCF-style: chr5-112767330-G-C. GRCh37 (hg19) VCF-style: chr5-112103027-G-C.
Other names: c.362G>C, p.Arg121Thr (NM_001127510.3, NM_001354895.2, NM_001354896.2 and 2 more transcripts); c.392G>C, p.Arg131Thr (NM_001127511.3, NM_001354897.2, NM_001354902.2); c.287G>C, p.Arg96Thr (NM_001354898.2, NM_001354904.2); c.185G>C, p.Arg62Thr (NM_001354900.2, NM_001354901.2, NM_001354905.2); c.-674G>C (NM_001354906.2); short protein forms R121T, R131T, R62T, R96T.
Identifiers: ClinVar variation 1057772 (VCV001057772.10), dbSNP rs193049694, ClinGen allele CA16022112.
Genomic context (GRCh38, chr5:112,767,330, plus strand): 5'-GATCTGTATCAAGCCGTTCTGGAGAGTGCAGTCCTGTTCCTATGGGTTCATTTCCAAGAA[G>C]AGGGTTTGTAAATGGAAGCAGAGAAAGTACTGGATATTTAGAAGAACTTGAGAAAGAGAG-3'
Protein context (NP_000029.2, residues 111-131): SPVPMGSFPR[Arg121Thr]GFVNGSREST